The following is an entry in ClinVar:

ClinVar aggregate classification (germline): Uncertain significance (1 of 4 stars; one submission).

Conditions:
Glycine encephalopathy 1 (GCE1). Identifiers: MedGen CN376801, MONDO:0958179, OMIM 605899.

gnomAD v4.1: 30 of 1,609,696 alleles (0.0019%); highest among the groups gnomAD compares: Non-Finnish European, 0.0026%; no homozygotes.

Submission:

Juno Genomics, Hangzhou Juno Genomics, Inc
Classification: Uncertain significance for Glycine encephalopathy 1. Review status: criteria provided, single submitter. Criteria: ACMG Guidelines, 2015. Collection method: clinical testing. Allele origin: germline.
Comment: Absent from controls (or at extremely low frequency if recessive) in Genome Aggregation Database.;Multiple lines of computational evidence support a deleterious effect on the gene or gene product.

NM_000170.3(GLDC):c.1585C>T (p.His529Tyr)

Gene: GLDC (glycine decarboxylase; minus strand). Cytogenetic location: 9p24.1.
Variant type: single nucleotide variant.
Coding change: c.1585C>T on transcript NM_000170.3 (MANE Select); coding-DNA position 1585, C replaced by T.
Protein change: p.His529Tyr; replaces histidine 529 with tyrosine.
Molecular consequence: missense variant.
Genome position (GRCh38, 1-based): chr9:6,588,698, G>A on the plus strand (C>T on the coding strand, the complement: GLDC is on the minus strand). VCF-style: chr9-6588698-G-A. GRCh37 (hg19) VCF-style: chr9-6588698-G-A.
Other names: short protein forms H529Y.
Identifiers: ClinVar variation 5007458 (VCV005007458.2).
Genomic context (GRCh38, chr9:6,588,698, plus strand): 5'-CAAGGGAAATGTCTTTATTTTCCAGTTTCTTCATGTACCGGACAATGTTTGTTTCAGAGT[G>A]GTAGCTGTGAACACAAAACACAGAATTAGGGGCCCCAAAAGTAGATATGAGTCCATGCAC-3'
Protein context (NP_000161.2, residues 519-539): FLTHQVFNSY[His529Tyr]SETNIVRYMK